The following is an entry in ClinVar:

ClinVar aggregate classification (germline): Likely benign. Review status: reviewed by expert panel (3 of 4 stars). 7 submissions from 7 submitters: Likely benign (1). 6 of the submissions do not count toward it. Last evaluated 2017-06-29.

Conditions:
Hereditary cancer-predisposing syndrome. Also called: Neoplastic Syndromes, Hereditary; Hereditary neoplastic syndrome; Hereditary Cancer Syndrome; Tumor predisposition. Identifiers: Orphanet 140162, MedGen C0027672, MeSH D009386, MONDO:0015356.
Breast-ovarian cancer, familial, susceptibility to, 1 (BROVCA1). Also called: BRCA1 Hereditary Breast and Ovarian Cancer; OVARIAN CANCER, SUSCEPTIBILITY TO. Identifiers: Orphanet 145, MedGen C2676676, MONDO:0011450, OMIM 604370. Disease mechanism: loss of function.
Hereditary breast ovarian cancer syndrome. Also called: BRCA1- and BRCA2-Associated Hereditary Breast and Ovarian Cancer; Hereditary breast and ovarian cancer syndrome (HBOC); Hereditary breast and ovarian cancer syndrome; Hereditary breast and/or ovarian cancer syndrome; Breast and ovarian cancer; Hereditary breast and ovarian cancer. Identifiers: Orphanet 145, MedGen C0677776, MeSH D061325, MONDO:0003582. Disease mechanism: loss of function.

Submissions (7):

Evidence-based Network for the Interpretation of Germline Mutant Alleles (ENIGMA)
Classification: Likely benign for Breast-ovarian cancer, familial, susceptibility to, 1. Last evaluated: 2017-06-29. Review status: reviewed by expert panel. Criteria: ENIGMA BRCA1/2 Classification Criteria (2017-06-29). Collection method: curation. Allele origin: germline.
Comment: Synonymous substitution variant, with low bioinformatic likelihood to result in a splicing aberration (Splicing prior probability 0.02).

Ambry Genetics
Classification: Likely benign for Hereditary cancer-predisposing syndrome. Last evaluated: 2026-07-06. Review status: criteria provided, single submitter. Criteria: Ambry Variant Classification Scheme 2023. Collection method: clinical testing. Allele origin: germline. Not counted in ClinVar's aggregate classification.

Color Diagnostics, LLC DBA Color Health
Classification: Likely benign for Hereditary cancer-predisposing syndrome. Last evaluated: 2025-07-25. Review status: criteria provided, single submitter. Criteria: ACMG Guidelines, 2015. Collection method: clinical testing. Allele origin: germline. Not counted in ClinVar's aggregate classification.

Women's Health and Genetics/Laboratory Corporation of America, LabCorp
Classification: Likely benign. Last evaluated: 2023-09-09. Review status: criteria provided, single submitter. Criteria: LabCorp Variant Classification Summary - May 2015. Collection method: clinical testing. Allele origin: germline. Not counted in ClinVar's aggregate classification.

Labcorp Genetics (formerly Invitae), Labcorp
Classification: Likely benign for Hereditary breast ovarian cancer syndrome. Last evaluated: 2022-11-12. Review status: criteria provided, single submitter. Criteria: Invitae Variant Classification Sherloc (09022015). Collection method: clinical testing. Allele origin: germline. Not counted in ClinVar's aggregate classification.

BRCAlab, Lund University
Classification: Likely benign for Breast-ovarian cancer, familial, susceptibility to, 1. Last evaluated: 2020-03-02. Review status: no assertion criteria provided. Collection method: clinical testing. Allele origin: germline. Affected: yes. Not counted in ClinVar's aggregate classification.

Breast Cancer Information Core (BIC) (BRCA1)
Classification: Benign for Breast-ovarian cancer, familial 1. Last evaluated: 2000-01-01. Review status: no assertion criteria provided. Collection method: clinical testing. Allele origin: germline, unknown. Affected: yes. Observed: 2 variant alleles. Not counted in ClinVar's aggregate classification.

NM_007294.4(BRCA1):c.4074G>A (p.Glu1358=)

Genes: BRCA1 (BRCA1 DNA repair associated; minus strand), LOC126862571 (BRD4-independent group 4 enhancer GRCh37_chr17:41243136-41244335; plus strand). Cytogenetic location: 17q21.31.
Variant type: single nucleotide variant.
Coding change: c.4074G>A on transcript NM_007294.4 (MANE Select); coding-DNA position 4074, G replaced by A.
Protein change: p.Glu1358=; no amino-acid change (glutamic acid 1358 retained).
Molecular consequence: synonymous variant. On other transcripts: intron variant (135).
Genome position (GRCh38, 1-based): chr17:43,091,457, C>T on the plus strand (G>A on the coding strand, the complement: BRCA1 is on the minus strand). VCF-style: chr17-43091457-C-T. GRCh37 (hg19) VCF-style: chr17-41243474-C-T.
Other names: 4193G/A; c.3861G>A, p.Glu1287= (NM_001407571.1, NM_001407894.1, NM_001407895.1 and 9 more transcripts); c.4074G>A, p.Glu1358= (NM_001407581.1, NM_001407582.1, NM_001407583.1 and 30 more transcripts); c.4071G>A, p.Glu1357= (NM_001407587.1, NM_001407590.1, NM_001407591.1 and 22 more transcripts); c.4065G>A, p.Glu1355= (NM_001407646.1, NM_001407647.1); c.3951G>A, p.Glu1317= (NM_001407648.1, NM_001407664.1, NM_001407665.1 and 19 more transcripts); c.3948G>A, p.Glu1316= (NM_001407649.1, NM_001407670.1, NM_001407671.1 and 11 more transcripts); c.3996G>A, p.Glu1332= (NM_001407653.1, NM_001407654.1, NM_001407655.1 and 4 more transcripts); and 42 more.
Identifiers: ClinVar variation 55097 (VCV000055097.11), dbSNP rs80356846, ClinGen allele CA002604.